The following is an entry in ClinVar:

NM_002085.5(GPX4):c.157A>G (p.Met53Val)

Gene: GPX4 (glutathione peroxidase 4; plus strand). Cytogenetic location: 19p13.3.
Variant type: single nucleotide variant.
Coding change: c.157A>G on transcript NM_002085.5 (MANE Select); coding-DNA position 157, A replaced by G.
Protein change: p.Met53Val; replaces methionine 53 with valine.
Molecular consequence: missense variant.
Genome position (GRCh38, 1-based): chr19:1,105,258, A>G. VCF-style: chr19-1105258-A-G. GRCh37 (hg19) VCF-style: chr19-1105257-A-G.
Other names: c.157A>G, p.Met53Val (NM_001039847.3); c.268A>G, p.Met90Val (NM_001039848.4); c.76A>G, p.Met26Val (NM_001367832.1); c.268A>G (NM_001039848.1); short protein forms M26V, M53V, M90V.
Identifiers: ClinVar variation 1350093 (VCV001350093.5), dbSNP rs762792092, ClinGen allele CA9037197.

ClinVar aggregate classification (germline): Uncertain significance. Review status: criteria provided, multiple submitters, no conflicts (2 of 4 stars). 2 submissions from 2 submitters: Uncertain significance (2). Last evaluated 2025-11-24.

Conditions:
Inborn genetic diseases. Identifiers: MedGen C0950123, MeSH D030342.

gnomAD v4.1: 52 of 1,612,858 alleles (0.0032%); highest among the groups gnomAD compares: Admixed American, 0.063%; 1 homozygote.

Submissions (2):

Ambry Genetics
Classification: Uncertain significance for Inborn genetic diseases. Last evaluated: 2025-11-24. Review status: criteria provided, single submitter. Criteria: Ambry Variant Classification Scheme 2023. Collection method: clinical testing. Allele origin: germline.

Labcorp Genetics (formerly Invitae), Labcorp
Classification: Uncertain significance. Last evaluated: 2022-06-20. Review status: criteria provided, single submitter. Criteria: Invitae Variant Classification Sherloc (09022015). Collection method: clinical testing. Allele origin: germline.
Comment: This sequence change replaces methionine, which is neutral and non-polar, with valine, which is neutral and non-polar, at codon 90 of the GPX4 protein (p.Met90Val). This variant is present in population databases (rs762792092, gnomAD 0.009%). This variant has not been reported in the literature in individuals affected with GPX4-related conditions. Algorithms developed to predict the effect of missense changes on protein structure and function are either unavailable or do not agree on the potential impact of this missense change (SIFT: "Tolerated"; PolyPhen-2: "Not Available"; Align-GVGD: "Class C0"). In summary, the available evidence is currently insufficient to determine the role of this variant in disease. Therefore, it has been classified as a Variant of Uncertain Significance.